The following is an entry in ClinVar:

NM_025103.4(IFT74):c.619G>C (p.Glu207Gln)

Gene: IFT74 (intraflagellar transport 74; plus strand). Cytogenetic location: 9p21.2.
Variant type: single nucleotide variant.
Coding change: c.619G>C on transcript NM_025103.4 (MANE Select); coding-DNA position 619, G replaced by C.
Protein change: p.Glu207Gln; replaces glutamic acid 207 with glutamine.
Molecular consequence: missense variant.
Genome position (GRCh38, 1-based): chr9:27,009,051, G>C. VCF-style: chr9-27009051-G-C. GRCh37 (hg19) VCF-style: chr9-27009049-G-C.
Other names: c.619G>C, p.Glu207Gln (NM_001099222.3, NM_001099223.3, NM_001099224.3 and 1 more transcripts); short protein forms E207Q.
Identifiers: ClinVar variation 1974599 (VCV001974599.5), dbSNP rs1587344610, ClinGen allele CA373116232.

ClinVar aggregate classification (germline): Uncertain significance (1 of 4 stars; one submission).

Allele frequency attached by ClinVar (database versions not stated): gnomAD exomes below 0.00001.
gnomAD v4.1: 2 of 1,613,050 alleles (0.00012%); highest among the groups gnomAD compares: East Asian, 0.0022%; no homozygotes.

Submission:

Labcorp Genetics (formerly Invitae), Labcorp
Classification: Uncertain significance. Last evaluated: 2023-12-11. Review status: criteria provided, single submitter. Criteria: Invitae Variant Classification Sherloc (09022015). Collection method: clinical testing. Allele origin: germline.
Comment: This sequence change replaces glutamic acid, which is acidic and polar, with glutamine, which is neutral and polar, at codon 207 of the IFT74 protein (p.Glu207Gln). This variant is not present in population databases (gnomAD no frequency). This variant has not been reported in the literature in individuals affected with IFT74-related conditions. ClinVar contains an entry for this variant (Variation ID: 1974599). An algorithm developed to predict the effect of missense changes on protein structure and function (PolyPhen-2) suggests that this variant is likely to be tolerated. In summary, the available evidence is currently insufficient to determine the role of this variant in disease. Therefore, it has been classified as a Variant of Uncertain Significance.